The following is an entry in ClinVar:

NM_001142800.2(EYS):c.916del (p.Arg306fs)

Gene: EYS (EGF-like photoreceptor maintenance factor; minus strand). Cytogenetic location: 6q12.
Variant type: Deletion.
Coding change: c.916del on transcript NM_001142800.2 (MANE Select); coding-DNA position 916, one base deleted (A; older notation c.916delA).
Protein change: p.Arg306fs; shifts the reading frame from arginine 306.
Molecular consequence: frameshift variant.
Genome position (GRCh38, 1-based): chr6:65,405,314, T deleted on the plus strand (A on the coding strand, the reverse complement: EYS is on the minus strand); the first of 4 consecutive T bases (chr6:65,405,314-65,405,317); deleting any one gives the same sequence. VCF-style (leftmost placement, unchanged base first): chr6-65405313-CT-C. GRCh37 (hg19) VCF-style: chr6-66115206-CT-C.
Other names: c.916del, p.Arg306fs (NM_001142801.2, NM_001292009.2, NM_198283.2); short protein forms R306fs.
Identifiers: ClinVar variation 4814667 (VCV004814667.1).
Genomic context (GRCh38, chr6:65,405,313, plus strand): 5'-CTGGAAGATCCTTTTGGGCATTCATAAGTATAAGCAGAACTGCTATTTGGGCAAATTCCT[CT>C]TTTCCAAAAAAGCAGAGAAACACAAGGTTTTGCTGACACCTCACAGAATGGACCTTAAAA-3'

ClinVar aggregate classification (germline): Likely pathogenic (1 of 4 stars; one submission).

Conditions:
Retinitis pigmentosa 25 (RP25). Identifiers: Orphanet 791, MedGen C1864446, MONDO:0011272, OMIM 602772.

Submission:

Natera, Inc.
Classification: Likely pathogenic for Retinitis pigmentosa type 25. Last evaluated: 2024-06-10. Review status: criteria provided, single submitter. Criteria: Natera Variant Classification Schema (03/2026). Collection method: clinical testing. Allele origin: germline.
Comment: The c.916del variant in EYS is a frameshift variant predicted to shift the reading frame beginning at codon 306 and leads to a stop codon 33 codons downstream. This variant is expected to result in nonsense mediated decay, truncation, or a dysfunctional protein product. This variant is rare in the general population with a frequency below the threshold expected for the associated phenotype(s). Given the available evidence, this variant is classified as Likely Pathogenic.